The following is an entry in ClinVar:

ClinVar aggregate classification (germline): Uncertain significance (1 of 4 stars; one submission).

Submission:

Labcorp Genetics (formerly Invitae), Labcorp
Classification: Uncertain significance. Last evaluated: 2025-08-27. Review status: criteria provided, single submitter. Criteria: Invitae Variant Classification Sherloc (09022015). Collection method: clinical testing. Allele origin: germline.
Comment: This sequence change replaces arginine, which is basic and polar, with lysine, which is basic and polar, at codon 186 of the KLF10 protein (p.Arg186Lys). This variant is present in population databases (rs28634259, gnomAD 0.003%). This variant has not been reported in the literature in individuals affected with KLF10-related conditions. ClinVar contains an entry for this variant (Variation ID: 2039834). An algorithm developed to predict the effect of missense changes on protein structure and function outputs the following: PolyPhen-2: "Benign". The lysine amino acid residue is found in multiple mammalian species, which suggests that this missense change does not adversely affect protein function. In summary, the available evidence is currently insufficient to determine the role of this variant in disease. Therefore, it has been classified as a Variant of Uncertain Significance.

NM_005655.4(KLF10):c.557G>A (p.Arg186Lys)

Gene: KLF10 (KLF transcription factor 10; minus strand). Cytogenetic location: 8q22.3.
Variant type: single nucleotide variant.
Coding change: c.557G>A on transcript NM_005655.4 (MANE Select); coding-DNA position 557, G replaced by A.
Protein change: p.Arg186Lys; replaces arginine 186 with lysine.
Molecular consequence: missense variant.
Genome position (GRCh38, 1-based): chr8:102,651,775, C>T on the plus strand (G>A on the coding strand, the complement: KLF10 is on the minus strand). VCF-style: chr8-102651775-C-T. GRCh37 (hg19) VCF-style: chr8-103664003-C-T.
Other names: c.524G>A, p.Arg175Lys (NM_001032282.4); short protein forms R175K, R186K.
Identifiers: ClinVar variation 2039834 (VCV002039834.4), dbSNP rs28634259, ClinGen allele CA4833583.